The following is an entry in ClinVar:

ClinVar aggregate classification (germline): Uncertain significance (1 of 4 stars; one submission).

Submission:

Dasa
Classification: Uncertain significance. Last evaluated: 2025-09-18. Review status: criteria provided, single submitter. Criteria: DASA Assertion Criteria. Collection method: clinical testing. Allele origin: germline.
Comment: NM_001080414.4(CCDC88C):c.2611G>C (p.Ala871Pro) is a missense variant that results in the substitution of alanine with proline. This variant is absent from population databases. Computational prediction algorithms are consistent with a benign effect. The currently available literature and clinical evidence are not sufficient to establish a definitive association between this variant and the reported condition. Therefore, this variant is classified as a variant of uncertain significance.

NM_001080414.4(CCDC88C):c.2611G>C (p.Ala871Pro)

Gene: CCDC88C (coiled-coil and HOOK domain protein 88C; minus strand). Cytogenetic location: 14q32.11.
Variant type: single nucleotide variant.
Coding change: c.2611G>C on transcript NM_001080414.4 (MANE Select); coding-DNA position 2611, G replaced by C.
Protein change: p.Ala871Pro; replaces alanine 871 with proline.
Molecular consequence: missense variant. On other transcripts: non-coding transcript variant (2).
Genome position (GRCh38, 1-based): chr14:91,313,205, C>G on the plus strand (G>C on the coding strand, the complement: CCDC88C is on the minus strand). VCF-style: chr14-91313205-C-G. GRCh37 (hg19) VCF-style: chr14-91779549-C-G.
Other names: short protein forms A871P.
Identifiers: ClinVar variation 4882939 (VCV004882939.2).